The following is an entry in ClinVar:

NM_004070.4(CLCNKA):c.1424C>T (p.Ser475Leu)

Genes: CLCNKA (chloride voltage-gated channel Ka; plus strand), LOC106501712 (CLCNKA recombination region; plus strand). Cytogenetic location: 1p36.13.
Variant type: single nucleotide variant.
Coding change: c.1424C>T on transcript NM_004070.4 (MANE Select); coding-DNA position 1424, C replaced by T.
Protein change: p.Ser475Leu; replaces serine 475 with leucine.
Molecular consequence: missense variant.
Genome position (GRCh38, 1-based): chr1:16,030,476, C>T. VCF-style: chr1-16030476-C-T. GRCh37 (hg19) VCF-style: chr1-16356971-C-T.
Other names: c.1424C>T, p.Ser475Leu (NM_001042704.2); c.1295C>T, p.Ser432Leu (NM_001257139.2); short protein forms S475L, S432L.
Identifiers: ClinVar variation 708261 (VCV000708261.9), dbSNP rs375233250, ClinGen allele CA622790.

ClinVar aggregate classification (germline): Likely benign. Review status: criteria provided, multiple submitters, no conflicts (2 of 4 stars). 2 submissions from 2 submitters: Likely benign (2). Last evaluated 2025-11-01.

Allele frequency attached by ClinVar (database versions not stated): ESP Exome Variant Server 0.00008; gnomAD 0.00025 and 0.00003; 1000 Genomes Project 30x 0.00094; gnomAD exomes 0.00100; ExAC 0.00115; TOPMed 0.00005; 1000 Genomes Project 0.00120.
gnomAD v4.1: 802 of 1,612,794 alleles (0.05%); highest among the groups gnomAD compares: South Asian, 0.8%; 12 homozygotes.

Submissions (2):

CeGaT Center for Human Genetics Tuebingen
Classification: Likely benign. Last evaluated: 2025-11-01. Review status: criteria provided, single submitter. Criteria: CeGaT Center For Human Genetics Tuebingen Variant Classification Criteria Version 2. Collection method: clinical testing. Allele origin: germline. Affected: yes. Observed: 1 variant allele.
Comment: CLCNKA: BS2

Labcorp Genetics (formerly Invitae), Labcorp
Classification: Likely benign. Last evaluated: 2017-07-18. Review status: criteria provided, single submitter. Criteria: Invitae Variant Classification Sherloc (09022015). Collection method: clinical testing. Allele origin: germline.